The following is an entry in ClinVar:

NM_170606.3(KMT2C):c.13645C>A (p.Arg4549Ser)

Gene: KMT2C (lysine methyltransferase 2C; minus strand). Cytogenetic location: 7q36.1.
Variant type: single nucleotide variant.
Coding change: c.13645C>A on transcript NM_170606.3 (MANE Select); coding-DNA position 13645, C replaced by A.
Protein change: p.Arg4549Ser; replaces arginine 4549 with serine.
Molecular consequence: missense variant.
Genome position (GRCh38, 1-based): chr7:152,148,282, G>T on the plus strand (C>A on the coding strand, the complement: KMT2C is on the minus strand). VCF-style: chr7-152148282-G-T. GRCh37 (hg19) VCF-style: chr7-151845367-G-T.
Other names: short protein forms R4549S.
Identifiers: ClinVar variation 4526233 (VCV004526233.1).

ClinVar aggregate classification (germline): Uncertain significance (1 of 4 stars; one submission).

Submission:

Women's Health and Genetics/Laboratory Corporation of America, LabCorp
Classification: Uncertain significance. Last evaluated: 2025-07-24. Review status: criteria provided, single submitter. Criteria: LabCorp Variant Classification Summary - May 2015. Collection method: clinical testing. Allele origin: germline.
Comment: Variant summary: KMT2C c.13645C>A (p.Arg4549Ser) results in a non-conservative amino acid change in the encoded protein sequence. Algorithms developed to predict the effect of missense changes on protein structure and function all suggest that this variant is likely to be disruptive. The variant was absent in 251210 control chromosomes. The available data on variant occurrences in the general population are insufficient to allow any conclusion about variant significance. To our knowledge, no occurrence of c.13645C>A in individuals affected with Kleefstra Syndrome 2 and no experimental evidence demonstrating its impact on protein function have been reported. No submitters have cited clinical-significance assessments for this variant to ClinVar. Based on the evidence outlined above, the variant was classified as uncertain significance.